The following is an entry in ClinVar:

ClinVar aggregate classification (germline): Uncertain significance (1 of 4 stars; one submission).

Submission:

Labcorp Genetics (formerly Invitae), Labcorp
Classification: Uncertain significance. Last evaluated: 2021-08-11. Review status: criteria provided, single submitter. Criteria: Invitae Variant Classification Sherloc (09022015). Collection method: clinical testing. Allele origin: germline.
Comment: This variant has not been reported in the literature in individuals affected with LRRK1-related conditions. This sequence change replaces serine with cysteine at codon 1855 of the LRRK1 protein (p.Ser1855Cys). The serine residue is moderately conserved and there is a moderate physicochemical difference between serine and cysteine. This variant is not present in population databases (ExAC no frequency). Algorithms developed to predict the effect of missense changes on protein structure and function output the following: SIFT: "Deleterious"; PolyPhen-2: "Benign"; Align-GVGD: "Class C15". The cysteine amino acid residue is found in multiple mammalian species, which suggests that this missense change does not adversely affect protein function. In summary, the available evidence is currently insufficient to determine the role of this variant in disease. Therefore, it has been classified as a Variant of Uncertain Significance.

NM_024652.6(LRRK1):c.5564C>G (p.Ser1855Cys)

Genes: LRRK1 (leucine rich repeat kinase 1; plus strand), LRRK1-AS1 (LRRK1 antisense RNA 1; minus strand). Cytogenetic location: 15q26.3.
Variant type: single nucleotide variant.
Coding change: c.5564C>G on transcript NM_024652.6 (MANE Select); coding-DNA position 5564, C replaced by G.
Protein change: p.Ser1855Cys; replaces serine 1855 with cysteine.
Molecular consequence: missense variant.
Genome position (GRCh38, 1-based): chr15:101,066,001, C>G. VCF-style: chr15-101066001-C-G. GRCh37 (hg19) VCF-style: chr15-101606206-C-G.
Other names: short protein forms S1855C.
Identifiers: ClinVar variation 1463716 (VCV001463716.6), dbSNP rs2141164457, ClinGen allele CA393962286.